The following is an entry in ClinVar:

ClinVar aggregate classification (germline): Uncertain significance (1 of 4 stars; one submission).

Allele frequency attached by ClinVar (database versions not stated): gnomAD exomes below 0.00001; ExAC 0.00001; gnomAD 0.00001; 1000 Genomes Project 30x 0.00016; 1000 Genomes Project 0.00020.
gnomAD v4.1: 2 of 1,614,226 alleles (0.00012%); highest among the groups gnomAD compares: East Asian, 0.0045%; no homozygotes.

Submission:

Labcorp Genetics (formerly Invitae), Labcorp
Classification: Uncertain significance. Last evaluated: 2023-12-12. Review status: criteria provided, single submitter. Criteria: Invitae Variant Classification Sherloc (09022015). Collection method: clinical testing. Allele origin: germline.
Comment: This sequence change replaces serine, which is neutral and polar, with glycine, which is neutral and non-polar, at codon 1152 of the SIN3A protein (p.Ser1152Gly). This variant is present in population databases (rs537899729, gnomAD 0.006%). This variant has not been reported in the literature in individuals affected with SIN3A-related conditions. An algorithm developed to predict the effect of missense changes on protein structure and function (PolyPhen-2) suggests that this variant is likely to be tolerated. In summary, the available evidence is currently insufficient to determine the role of this variant in disease. Therefore, it has been classified as a Variant of Uncertain Significance.

NM_001145358.2(SIN3A):c.3454A>G (p.Ser1152Gly)

Gene: SIN3A (SIN3 transcription regulator family member A; minus strand). Cytogenetic location: 15q24.2.
Variant type: single nucleotide variant.
Coding change: c.3454A>G on transcript NM_001145358.2 (MANE Select); coding-DNA position 3454, A replaced by G.
Protein change: p.Ser1152Gly; replaces serine 1152 with glycine.
Molecular consequence: missense variant.
Genome position (GRCh38, 1-based): chr15:75,375,802, T>C on the plus strand (A>G on the coding strand, the complement: SIN3A is on the minus strand). VCF-style: chr15-75375802-T-C. GRCh37 (hg19) VCF-style: chr15-75668143-T-C.
Other names: c.3454A>G, p.Ser1152Gly (NM_001145357.2, NM_015477.3); short protein forms S1152G.
Identifiers: ClinVar variation 3010930 (VCV003010930.3), dbSNP rs537899729, ClinGen allele CA7667225.